The following is an entry in ClinVar:

ClinVar aggregate classification (germline): Conflicting classifications of pathogenicity. Review status: criteria provided, conflicting classifications (1 of 4 stars). 10 submissions from 10 submitters: Uncertain significance (1); Benign (3); Likely benign (3). 3 of the submissions do not count toward it. Last evaluated 2026-07-20.

Conditions:
ABCA4-related disorder. Also called: ABCA4-related condition; ABCA4-related disorders. Identifiers: MedGen CN239167.
Retinal dystrophy. Also called: Inherited retinal dystrophy. Identifiers: Orphanet 71862, MedGen C0854723, MeSH D058499, MONDO:0019118, HP:0000556.

Allele frequency attached by ClinVar (database versions not stated): gnomAD 0.00183 and 0.00176; ExAC 0.00206; gnomAD exomes 0.00219; ESP Exome Variant Server 0.00254; 1000 Genomes Project 0.00040; 1000 Genomes Project 30x 0.00047; TOPMed 0.00167.
gnomAD v4.1: 3,562 of 1,606,312 alleles (0.22%); highest among the groups gnomAD compares: Non-Finnish European, 0.25%; 12 homozygotes.

Submissions (10):

PreventionGenetics, part of Exact Sciences
Classification: Benign for ABCA4-related condition. Last evaluated: 2026-07-20. Review status: criteria provided, single submitter. Criteria: ACMG Guidelines, 2015. Collection method: clinical testing. Allele origin: germline.
Comment: This variant is classified as benign based on ACMG/AMP sequence variant interpretation guidelines (Richards et al. 2015 PMID: 25741868, with internal and published modifications).

Labcorp Genetics (formerly Invitae), Labcorp
Classification: Benign. Last evaluated: 2026-01-31. Review status: criteria provided, single submitter. Criteria: Invitae Variant Classification Sherloc (09022015). Collection method: clinical testing. Allele origin: germline.

CeGaT Center for Human Genetics Tuebingen
Classification: Likely benign. Last evaluated: 2025-04-01. Review status: criteria provided, single submitter. Criteria: CeGaT Center For Human Genetics Tuebingen Variant Classification Criteria Version 2. Collection method: clinical testing. Allele origin: germline. Affected: yes. Observed: 7 variant alleles.
Comment: ABCA4: BS2

Blueprint Genetics
Classification: Likely benign. Last evaluated: 2024-10-30. Review status: criteria provided, single submitter. Criteria: ACMG Guidelines, 2015. Collection method: clinical testing. Allele origin: germline.

Institute of Human Genetics, Univ. Regensburg, Univ. Regensburg
Classification: Likely benign for Retinal dystrophy. Last evaluated: 2023-01-01. Review status: criteria provided, single submitter. Criteria: ACMG Guidelines, 2015. Collection method: clinical testing. Allele origin: germline. Affected: yes.

Illumina Laboratory Services, Illumina
Classification: Uncertain significance for ABCA4-Related Disorders. Last evaluated: 2017-04-27. Review status: criteria provided, single submitter. Criteria: ICSL Variant Classification Criteria 13 December 2019. Collection method: clinical testing. Allele origin: germline.

GeneDx
Classification: Benign. Last evaluated: 2011-08-01. Review status: criteria provided, single submitter. Criteria: GeneDx Variant Classification (06012015). Collection method: clinical testing. Allele origin: germline. Affected: yes.
Comment: This variant is considered likely benign or benign based on one or more of the following criteria: it is a conservative change, it occurs at a poorly conserved position in the protein, it is predicted to be benign by multiple in silico algorithms, and/or has population frequency not consistent with disease.

Clinical Genetics, Academic Medical Center
Classification: Likely benign. Review status: no assertion criteria provided. Collection method: clinical testing. Allele origin: germline. Affected: yes. Study: VKGL Data-share Consensus. Not counted in ClinVar's aggregate classification.

Genome Diagnostics Laboratory, University Medical Center Utrecht
Classification: Likely benign. Review status: no assertion criteria provided. Collection method: clinical testing. Allele origin: germline. Affected: yes. Study: VKGL Data-share Consensus. Not counted in ClinVar's aggregate classification.

Retina International
No classification provided. Review status: no classification provided. Collection method: not provided. Allele origin: not provided. Not counted in ClinVar's aggregate classification.

Literature cited by the submitters: PubMed 28118664 (cited by Institute of Human Genetics, Univ. Regensburg, Univ. Regensburg).

NM_000350.3(ABCA4):c.2588-12C>G

Gene: ABCA4 (ATP binding cassette subfamily A member 4; minus strand). Cytogenetic location: 1p22.1.
Variant type: single nucleotide variant.
Coding change: c.2588-12C>G on transcript NM_000350.3 (MANE Select); 12 bases into the intron before coding-DNA position 2588, C replaced by G.
Molecular consequence: intron variant.
Genome position (GRCh38, 1-based): chr1:94,051,710, G>C on the plus strand (C>G on the coding strand, the complement: ABCA4 is on the minus strand). VCF-style: chr1-94051710-G-C. GRCh37 (hg19) VCF-style: chr1-94517266-G-C.
Identifiers: ClinVar variation 99148 (VCV000099148.57), dbSNP rs61751396, ClinGen allele CA285814.